The following is an entry in ClinVar:

ClinVar aggregate classification (germline): Likely benign (1 of 4 stars; one submission).

Allele frequency attached by ClinVar (database versions not stated): ExAC 0.00080; 1000 Genomes Project 30x 0.00219; 1000 Genomes Project 0.00220; gnomAD 0.00289; ESP Exome Variant Server 0.00308.
gnomAD v4.1: 907 of 1,607,448 alleles (0.056%); highest among the groups gnomAD compares: African/African-American, 0.93%; 6 homozygotes.

Submission:

CeGaT Center for Human Genetics Tuebingen
Classification: Likely benign. Last evaluated: 2024-01-01. Review status: criteria provided, single submitter. Criteria: CeGaT Center For Human Genetics Tuebingen Variant Classification Criteria Version 2. Collection method: clinical testing. Allele origin: germline. Affected: yes. Observed: 1 variant allele.
Comment: UTRN: BP4, BP7

NM_007124.3(UTRN):c.7671C>T (p.Ser2557=)

Gene: UTRN (utrophin; plus strand). Cytogenetic location: 6q24.2.
Variant type: single nucleotide variant.
Coding change: c.7671C>T on transcript NM_007124.3 (MANE Select); coding-DNA position 7671, C replaced by T.
Protein change: p.Ser2557=; no amino-acid change (serine 2557 retained).
Molecular consequence: synonymous variant.
Genome position (GRCh38, 1-based): chr6:144,700,105, C>T. VCF-style: chr6-144700105-C-T. GRCh37 (hg19) VCF-style: chr6-145021241-C-T.
Other names: c.336C>T, p.Ser112= (NM_001375323.1).
Identifiers: ClinVar variation 3025303 (VCV003025303.22), dbSNP rs141066433, ClinGen allele CA4034098.